The following is an entry in ClinVar:

ClinVar aggregate classification (germline): Uncertain significance (1 of 4 stars; one submission).

Conditions:
Familial melanoma. Also called: Hereditary melanoma; Hereditary cutaneous melanoma. Identifiers: Orphanet 618, MedGen C1512419, MONDO:0018961.

Submission:

Labcorp Genetics (formerly Invitae), Labcorp
Classification: Uncertain significance for Familial melanoma. Last evaluated: 2025-07-31. Review status: criteria provided, single submitter. Criteria: Invitae Variant Classification Sherloc (09022015). Collection method: clinical testing. Allele origin: germline.
Comment: This sequence change replaces serine, which is neutral and polar, with threonine, which is neutral and polar, at codon 36 of the CDK4 protein (p.Ser36Thr). This variant is not present in population databases (gnomAD no frequency). This variant has not been reported in the literature in individuals affected with CDK4-related conditions. ClinVar contains an entry for this variant (Variation ID: 864734). Invitae Evidence Modeling of protein sequence and biophysical properties (such as structural, functional, and spatial information, amino acid conservation, physicochemical variation, residue mobility, and thermodynamic stability) indicates that this missense variant is not expected to disrupt CDK4 protein function with a negative predictive value of 95%. In summary, the available evidence is currently insufficient to determine the role of this variant in disease. Therefore, it has been classified as a Variant of Uncertain Significance.

NM_000075.4(CDK4):c.107G>C (p.Ser36Thr)

Gene: CDK4 (cyclin dependent kinase 4; minus strand). Cytogenetic location: 12q14.1.
Variant type: single nucleotide variant.
Coding change: c.107G>C on transcript NM_000075.4 (MANE Select); coding-DNA position 107, G replaced by C.
Protein change: p.Ser36Thr; replaces serine 36 with threonine.
Molecular consequence: missense variant.
Genome position (GRCh38, 1-based): chr12:57,751,611, C>G on the plus strand (G>C on the coding strand, the complement: CDK4 is on the minus strand). VCF-style: chr12-57751611-C-G. GRCh37 (hg19) VCF-style: chr12-58145394-C-G.
Other names: short protein forms S36T.
Identifiers: ClinVar variation 864734 (VCV000864734.10), dbSNP rs1955238564, ClinGen allele CA385548847.